The following is an entry in ClinVar:

NM_000138.5(FBN1):c.6872-1G>T

Gene: FBN1 (fibrillin 1; minus strand). Cytogenetic location: 15q21.1.
Variant type: single nucleotide variant.
Coding change: c.6872-1G>T on transcript NM_000138.5 (MANE Select); the canonical splice acceptor site of the intron before coding-DNA position 6872, G replaced by T.
Molecular consequence: splice acceptor variant.
Genome position (GRCh38, 1-based): chr15:48,428,472, C>A on the plus strand (G>T on the coding strand, the complement: FBN1 is on the minus strand). VCF-style: chr15-48428472-C-A. GRCh37 (hg19) VCF-style: chr15-48720669-C-A.
Other names: c.6872-1G>T (NM_001406716.1).
Identifiers: ClinVar variation 684607 (VCV000684607.9), dbSNP rs1597518951, ClinGen allele CA392330958.
Genomic context (GRCh38, chr15:48,428,472, plus strand): 5'-GGGTGTTGAGGCAGCGCCCATTCTCACAGATCCCTGGCTTCGTCTGACATTCATTCTCAT[C>A]TGTTTGATTTTATTGAAGGACCAAAAACAAGAAGAGTCATCTGACCATTTTATAGAGGAT-3'

ClinVar aggregate classification (germline): Pathogenic. Review status: criteria provided, multiple submitters, no conflicts (2 of 4 stars). 4 submissions from 4 submitters: Pathogenic (2). 2 of the submissions do not count toward it. Last evaluated 2025-12-05.

Conditions:
Marfan syndrome (MFS). Also called: MARFAN SYNDROME, TYPE I; FBN1-Related Marfan Syndrome; Marfan syndrome type 1; Marfan's syndrome; Marfan syndrome, classic. Identifiers: Orphanet 284963, Orphanet 558, MedGen C0024796, MONDO:0007947, OMIM 154700.
Familial thoracic aortic aneurysm and aortic dissection (TAAD). Also called: Thoracic aortic aneurysms and dissections. Identifiers: Orphanet 91387, MedGen C4707243, MONDO:0019625.

Submissions (4):

Ambry Genetics
Classification: Pathogenic for Familial thoracic aortic aneurysm and aortic dissection. Last evaluated: 2025-12-05. Review status: criteria provided, single submitter. Criteria: Ambry Variant Classification Scheme 2023. Collection method: clinical testing. Allele origin: germline.
Comment: The c.6872-1G>T intronic pathogenic mutation results from a G to T substitution one nucleotide upstream from coding exon 56 of the FBN1 gene. Alterations that disrupt the canonical splice site are expected to result in aberrant splicing. In silico splice site analysis predicts that this alteration will weaken the native splice acceptor site and may result in the creation or strengthening of a novel splice acceptor site. A resulting transcript is predicted to be in-frame and is not expected to trigger nonsense-mediated mRNAdecay; although, direct evidence is unavailable. However, the region predicted to be impacted is critical for protein function (Ambry internal data). This variant was identified in one or more individuals with features consistent with Marfan syndrome and related fibrillinopathies and segregated with disease in at least one family (Daneshjoo O et al. Clin Case Rep, 2020 Aug;8:1445-1451; Mannucci L et al. Clin Chim Acta, 2020 Feb;501:154-164; Ambry internal data). This variant is considered to be rare based on population cohorts in the Genome Aggregation Database (gnomAD). This nucleotide position is highly conserved in available vertebrate species. Based on the supporting evidence, this variant is interpreted as a disease-causing mutation.

Labcorp Genetics (formerly Invitae), Labcorp
Classification: Pathogenic for Marfan syndrome; Familial thoracic aortic aneurysm and aortic dissection. Last evaluated: 2021-12-29. Review status: criteria provided, single submitter. Criteria: Invitae Variant Classification Sherloc (09022015). Collection method: clinical testing. Allele origin: germline.
Comment: Algorithms developed to predict the effect of sequence changes on RNA splicing suggest that this variant may disrupt the consensus splice site. For these reasons, this variant has been classified as Pathogenic. ClinVar contains an entry for this variant (Variation ID: 684607). Disruption of this splice site has been observed in individual(s) with Marfan syndrome (PMID: 31730815, 32884772). It has also been observed to segregate with disease in related individuals. This variant is not present in population databases (gnomAD no frequency). This sequence change affects an acceptor splice site in intron 56 of the FBN1 gene. It is expected to disrupt RNA splicing. Variants that disrupt the donor or acceptor splice site typically lead to a loss of protein function (PMID: 16199547), and loss-of-function variants in FBN1 are known to be pathogenic (PMID: 17657824, 19293843).

Biologia e Medicina Molecolare, Sapienza University of Rome
Classification: Pathogenic for Marfan syndrome. Last evaluated: 2019-08-01. Review status: no assertion criteria provided. Collection method: case-control. Allele origin: germline. Inheritance: Autosomal dominant inheritance. Affected: yes. Observed: 1 heterozygote. Not counted in ClinVar's aggregate classification.
Comment: Patients were fulfilled for the criteria of the Revised Ghent Nosology.

Sangiuolo Lab - Medical Genetics Laboratory, Tor Vergata University
Classification: Pathogenic for Marfan syndrome. Last evaluated: 2019-06-06. Review status: no assertion criteria provided. Collection method: clinical testing. Allele origin: germline. Affected: yes. Not counted in ClinVar's aggregate classification.

Literature cited by the submitters: PubMed 31730815 (cited by 3 submitters); PubMed 32884772 (cited by Ambry Genetics and Labcorp Genetics (formerly Invitae), Labcorp); PubMed 16199547 (cited by Labcorp Genetics (formerly Invitae), Labcorp); PubMed 17657824 (cited by Labcorp Genetics (formerly Invitae), Labcorp); PubMed 19293843 (cited by Labcorp Genetics (formerly Invitae), Labcorp).